The following is an entry in ClinVar:

NM_004393.6(DAG1):c.971T>A (p.Ile324Asn)

Gene: DAG1 (dystroglycan 1; plus strand). Cytogenetic location: 3p21.31.
Variant type: single nucleotide variant.
Coding change: c.971T>A on transcript NM_004393.6 (MANE Select); coding-DNA position 971, T replaced by A.
Protein change: p.Ile324Asn; replaces isoleucine 324 with asparagine.
Molecular consequence: missense variant.
Genome position (GRCh38, 1-based): chr3:49,531,482, T>A. VCF-style: chr3-49531482-T-A. GRCh37 (hg19) VCF-style: chr3-49568915-T-A.
Other names: c.971T>A, p.Ile324Asn (NM_001165928.4, NM_001177634.3, NM_001177635.3 and 9 more transcripts); c.971T>A (NM_004393.4); short protein forms I324N.
Identifiers: ClinVar variation 863765 (VCV000863765.7), dbSNP rs745449164, ClinGen allele CA2398992.
Genomic context (GRCh38, chr3:49,531,482, plus strand): 5'-CCCCTCTTCCCAAACGCGTCCGGAGGCAGATCCATGCTACACCCACACCTGTCACTGCCA[T>A]TGGGCCCCCAACCACGGCTATCCAGGAGCCCCCATCCAGGATCGTGCCAACCCCCACATC-3'
Protein context (NP_004384.5, residues 314-334): IHATPTPVTA[Ile324Asn]GPPTTAIQEP

ClinVar aggregate classification (germline): Uncertain significance. Review status: criteria provided, multiple submitters, no conflicts (2 of 4 stars). 2 submissions from 2 submitters: Uncertain significance (2). Last evaluated 2023-10-03.

Conditions:
Inborn genetic diseases. Identifiers: MedGen C0950123, MeSH D030342.
Muscular dystrophy-dystroglycanopathy (congenital with brain and eye anomalies), type A9. Also called: WALKER-WARBURG SYNDROME OR MUSCLE-EYE BRAIN DISEASE, DAG1-RELATED; Muscular dystrophy-dystroglycanopathy (congenital with brain and eye anomalies), type a, 9. Identifiers: Orphanet 370997, Orphanet 899, MedGen C4225291, MONDO:0014683, OMIM 616538.
Autosomal recessive limb-girdle muscular dystrophy type 2P. Also called: MUSCULAR DYSTROPHY-DYSTROGLYCANOPATHY, LIMB-GIRDLE, DAG1-RELATED; Limb-Girdle Muscular Dystrophy Type 9C; MUSCULAR DYSTROPHY, LIMB-GIRDLE, TYPE 2P. Identifiers: Orphanet 280333, MedGen C4511963, MONDO:0013440, OMIM 613818.

Allele frequency attached by ClinVar (database versions not stated): ExAC 0.00001; gnomAD 0.00004; TOPMed 0.00005.
gnomAD v4.1: 125 of 1,613,658 alleles (0.0077%); highest among the groups gnomAD compares: Non-Finnish European, 0.01%; no homozygotes.

Submissions (2):

Labcorp Genetics (formerly Invitae), Labcorp
Classification: Uncertain significance for Autosomal recessive limb-girdle muscular dystrophy type 2P; Muscular dystrophy-dystroglycanopathy (congenital with brain and eye anomalies), type A9. Last evaluated: 2023-10-03. Review status: criteria provided, single submitter. Criteria: Invitae Variant Classification Sherloc (09022015). Collection method: clinical testing. Allele origin: germline.
Comment: This sequence change replaces isoleucine, which is neutral and non-polar, with asparagine, which is neutral and polar, at codon 324 of the DAG1 protein (p.Ile324Asn). This variant is present in population databases (rs745449164, gnomAD 0.005%). This variant has not been reported in the literature in individuals affected with DAG1-related conditions. ClinVar contains an entry for this variant (Variation ID: 863765). Advanced modeling of protein sequence and biophysical properties (such as structural, functional, and spatial information, amino acid conservation, physicochemical variation, residue mobility, and thermodynamic stability) performed at Invitae indicates that this missense variant is not expected to disrupt DAG1 protein function. In summary, the available evidence is currently insufficient to determine the role of this variant in disease. Therefore, it has been classified as a Variant of Uncertain Significance.

Ambry Genetics
Classification: Uncertain significance for Inborn genetic diseases. Last evaluated: 2022-06-09. Review status: criteria provided, single submitter. Criteria: Ambry Variant Classification Scheme 2023. Collection method: clinical testing. Allele origin: germline.